The following is an entry in ClinVar:

ClinVar aggregate classification (germline): Likely benign. Review status: criteria provided, multiple submitters, no conflicts (2 of 4 stars). 2 submissions from 2 submitters: Likely benign (2). Last evaluated 2018-01-12.

Conditions:
Generalized epilepsy-paroxysmal dyskinesia syndrome (PNKD3). Also called: Paroxysmal nonkinesigenic dyskinesia, 3, with or without generalized epilepsy; Generalized epilepsy and paroxysmal dyskinesia. Identifiers: Orphanet 79137, MedGen C5574945, MONDO:0012276, OMIM 609446.

Allele frequency attached by ClinVar (database versions not stated): gnomAD 0.00188 and 0.00244; TOPMed 0.00207; gnomAD exomes 0.00375; 1000 Genomes Project 0.00399; 1000 Genomes Project 30x 0.00547.
gnomAD v4.1: 5,568 of 1,540,192 alleles (0.36%); highest among the groups gnomAD compares: South Asian, 1.8%; 35 homozygotes.

Submissions (2):

Illumina Laboratory Services, Illumina
Classification: Likely benign for Generalized epilepsy-paroxysmal dyskinesia syndrome. Last evaluated: 2018-01-12. Review status: criteria provided, single submitter. Criteria: ICSL Variant Classification Criteria 13 December 2019. Collection method: clinical testing. Allele origin: germline.
Comment: This variant was observed in the ICSL laboratory as part of a predisposition screen in an ostensibly healthy population. It had not been previously curated by ICSL or reported in the Human Gene Mutation Database (HGMD: prior to June 1st, 2018), and was therefore a candidate for classification through an automated scoring system. Utilizing variant allele frequency, disease prevalence and penetrance estimates, and inheritance mode, an automated score was calculated to assess if this variant is too frequent to cause the disease. Based on the score and internal cut-off values, a variant classified as likely benign is not then subjected to further curation. The score for this variant resulted in a classification of likely benign for this disease.

Breakthrough Genomics
Classification: Likely benign. Review status: criteria provided, single submitter. Criteria: ACMG Guidelines, 2015. Collection method: not provided. Allele origin: germline. Inheritance: Autosomal recessive inheritance. Affected: yes.

NM_001161352.2(KCNMA1):c.*2183C>T

Gene: KCNMA1 (potassium calcium-activated channel subfamily M alpha 1; minus strand). Cytogenetic location: 10q22.3.
Variant type: single nucleotide variant.
Coding change: c.*2183C>T on transcript NM_001161352.2 (MANE Select); 2183 bases downstream of the stop codon, C replaced by T.
Molecular consequence: 3 prime UTR variant. On other transcripts: intron variant (7).
Genome position (GRCh38, 1-based): chr10:76,885,083, G>A on the plus strand (C>T on the coding strand, the complement: KCNMA1 is on the minus strand). VCF-style: chr10-76885083-G-A. GRCh37 (hg19) VCF-style: chr10-78644841-G-A.
Other names: c.*2183C>T (NM_001161353.2, NM_001271519.2, NM_001322836.2 and 2 more transcripts); c.3362+2208C>T (NM_001271518.2); c.3512+2208C>T (NM_001322832.2); c.3521+2208C>T (NM_001322829.2); c.3524+2208C>T (NM_001014797.3); c.3605+2208C>T (NM_001322835.2); c.3614+2208C>T (NM_001322830.2); c.3059+2208C>T (NM_001322838.2).
Identifiers: ClinVar variation 300924 (VCV000300924.6), dbSNP rs201067003, ClinGen allele CA10636017.